The following is an entry in ClinVar:

ClinVar aggregate classification (germline): Benign. Review status: criteria provided, multiple submitters, no conflicts (2 of 4 stars). 3 submissions from 3 submitters: Benign (2). 1 of the submissions does not count toward it. Last evaluated 2026-02-03.

Conditions:
FBN3-related disorder. Also called: FBN3-related condition.

Allele frequency attached by ClinVar (database versions not stated): ESP Exome Variant Server 0.20183; 1000 Genomes Project 30x 0.18317; TOPMed 0.19504; gnomAD exomes 0.21216 and 0.22216; ExAC 0.21441; 1000 Genomes Project 0.18371; gnomAD 0.19448 and 0.19592.
gnomAD v4.1: 353,777 of 1,610,228 alleles (22%); highest among the groups gnomAD compares: Middle Eastern, 24%; 39,578 homozygotes.

Submissions (3):

Labcorp Genetics (formerly Invitae), Labcorp
Classification: Benign. Last evaluated: 2026-02-03. Review status: criteria provided, single submitter. Criteria: Invitae Variant Classification Sherloc (09022015). Collection method: clinical testing. Allele origin: germline.

Breakthrough Genomics
Classification: Benign. Review status: criteria provided, single submitter. Criteria: ACMG Guidelines, 2015. Collection method: not provided. Allele origin: germline. Inheritance: Unknown mechanism. Affected: yes.

PreventionGenetics, part of Exact Sciences
Classification: Benign for FBN3-related condition. Last evaluated: 2019-10-23. Review status: no assertion criteria provided. Collection method: clinical testing. Allele origin: germline. Not counted in ClinVar's aggregate classification.
Comment: This variant is classified as benign based on ACMG/AMP sequence variant interpretation guidelines (Richards et al. 2015 PMID: 25741868, with internal and published modifications).

NM_032447.5(FBN3):c.5417G>A (p.Arg1806Gln)

Gene: FBN3 (fibrillin 3; minus strand). Cytogenetic location: 19p13.2.
Variant type: single nucleotide variant.
Coding change: c.5417G>A on transcript NM_032447.5 (MANE Select); coding-DNA position 5417, G replaced by A.
Protein change: p.Arg1806Gln; replaces arginine 1806 with glutamine.
Molecular consequence: missense variant.
Genome position (GRCh38, 1-based): chr19:8,096,566, C>T on the plus strand (G>A on the coding strand, the complement: FBN3 is on the minus strand). VCF-style: chr19-8096566-C-T. GRCh37 (hg19) VCF-style: chr19-8161450-C-T.
Other names: c.5417G>A (NM_001321431.1); c.5417G>A, p.Arg1806Gln (NM_001321431.2); short protein forms R1806Q.
Identifiers: ClinVar variation 1567977 (VCV001567977.11), dbSNP rs3829817, ClinGen allele CA9151657.